The following is an entry in ClinVar:

ClinVar aggregate classification (germline): Uncertain significance (1 of 4 stars; one submission).

Submission:

Labcorp Genetics (formerly Invitae), Labcorp
Classification: Uncertain significance. Last evaluated: 2022-02-14. Review status: criteria provided, single submitter. Criteria: Invitae Variant Classification Sherloc (09022015). Collection method: clinical testing. Allele origin: germline.
Comment: In summary, the available evidence is currently insufficient to determine the role of this variant in disease. Therefore, it has been classified as a Variant of Uncertain Significance. This sequence change replaces phenylalanine, which is neutral and non-polar, with leucine, which is neutral and non-polar, at codon 931 of the RAB3GAP1 protein (p.Phe931Leu). This variant is not present in population databases (gnomAD no frequency). This variant has not been reported in the literature in individuals affected with RAB3GAP1-related conditions. Algorithms developed to predict the effect of missense changes on protein structure and function are either unavailable or do not agree on the potential impact of this missense change (SIFT: "Deleterious"; PolyPhen-2: "Probably Damaging"; Align-GVGD: "Class C0").

NM_012233.3(RAB3GAP1):c.2791T>C (p.Phe931Leu)

Gene: RAB3GAP1 (RAB3 GTPase activating protein catalytic subunit 1; plus strand). Cytogenetic location: 2q21.3.
Variant type: single nucleotide variant.
Coding change: c.2791T>C on transcript NM_012233.3 (MANE Select); coding-DNA position 2791, T replaced by C.
Protein change: p.Phe931Leu; replaces phenylalanine 931 with leucine.
Molecular consequence: missense variant.
Genome position (GRCh38, 1-based): chr2:135,168,626, T>C. VCF-style: chr2-135168626-T-C. GRCh37 (hg19) VCF-style: chr2-135926196-T-C.
Other names: c.2812T>C, p.Phe938Leu (NM_001172435.2); short protein forms F931L, F938L.
Identifiers: ClinVar variation 2097542 (VCV002097542.4), dbSNP rs2468292277, ClinGen allele CA348588768.